The following is an entry in ClinVar:

ClinVar aggregate classification (germline): Uncertain significance (1 of 4 stars; one submission).

Allele frequency attached by ClinVar (database versions not stated): TOPMed below 0.00001.

Submission:

Labcorp Genetics (formerly Invitae), Labcorp
Classification: Uncertain significance. Last evaluated: 2020-02-25. Review status: criteria provided, single submitter. Criteria: Invitae Variant Classification Sherloc (09022015). Collection method: clinical testing. Allele origin: germline.
Comment: Algorithms developed to predict the effect of sequence changes on RNA splicing suggest that this variant may create or strengthen a splice site, but this prediction has not been confirmed by published transcriptional studies. This sequence change replaces glycine with valine at codon 682 of the GRM6 protein (p.Gly682Val). The glycine residue is highly conserved and there is a moderate physicochemical difference between glycine and valine. This variant is not present in population databases (ExAC no frequency). This variant has not been reported in the literature in individuals with GRM6-related conditions. Algorithms developed to predict the effect of missense changes on protein structure and function are either unavailable or do not agree on the potential impact of this missense change (SIFT: "Deleterious"; PolyPhen-2: "Probably Damaging"; Align-GVGD: "Class C15"). In summary, the available evidence is currently insufficient to determine the role of this variant in disease. Therefore, it has been classified as a Variant of Uncertain Significance.

NM_000843.4(GRM6):c.2045G>T (p.Gly682Val)

Genes: GRM6 (glutamate metabotropic receptor 6; minus strand), ZNF454 (zinc finger protein 454; plus strand). Cytogenetic location: 5q35.3.
Variant type: single nucleotide variant.
Coding change: c.2045G>T on transcript NM_000843.4 (MANE Select); coding-DNA position 2045, G replaced by T.
Protein change: p.Gly682Val; replaces glycine 682 with valine.
Molecular consequence: missense variant.
Genome position (GRCh38, 1-based): chr5:178,986,209, C>A on the plus strand (G>T on the coding strand, the complement: GRM6 is on the minus strand). VCF-style: chr5-178986209-C-A. GRCh37 (hg19) VCF-style: chr5-178413210-C-A.
Other names: short protein forms G682V.
Identifiers: ClinVar variation 1052316 (VCV001052316.8), dbSNP rs1003717246, ClinGen allele CA133022870.